The following is an entry in ClinVar:

ClinVar aggregate classification (germline): Uncertain significance (1 of 4 stars; one submission).

Allele frequency attached by ClinVar (database versions not stated): gnomAD 0.00001; gnomAD exomes 0.00001; TOPMed 0.00001; 1000 Genomes Project 0.00020; 1000 Genomes Project 30x 0.00031.
gnomAD v4.1: 4 of 1,550,978 alleles (0.00026%); highest among the groups gnomAD compares: Admixed American, 0.0078%; no homozygotes.

Submission:

Labcorp Genetics (formerly Invitae), Labcorp
Classification: Uncertain significance. Last evaluated: 2024-10-15. Review status: criteria provided, single submitter. Criteria: Invitae Variant Classification Sherloc (09022015). Collection method: clinical testing. Allele origin: germline.
Comment: This sequence change falls in intron 1 of the PIGB gene. It does not directly change the encoded amino acid sequence of the PIGB protein. It affects a nucleotide within the consensus splice site. This variant is present in population databases (rs187951367, gnomAD 0.01%). This variant has not been reported in the literature in individuals affected with PIGB-related conditions. ClinVar contains an entry for this variant (Variation ID: 1981196). Variants that disrupt the consensus splice site are a relatively common cause of aberrant splicing (PMID: 17576681, 9536098). Algorithms developed to predict the effect of sequence changes on RNA splicing suggest that this variant is not likely to affect RNA splicing. In summary, the available evidence is currently insufficient to determine the role of this variant in disease. Therefore, it has been classified as a Variant of Uncertain Significance.

Literature cited by the submitters: PubMed 17576681; PubMed 9536098.

NM_004855.5(PIGB):c.163+6T>C

Genes: PIGB (phosphatidylinositol glycan anchor biosynthesis class B; plus strand), LOC130057105 (ATAC-STARR-seq lymphoblastoid active region 9444; plus strand). Cytogenetic location: 15q21.3.
Variant type: single nucleotide variant.
Coding change: c.163+6T>C on transcript NM_004855.5 (MANE Select); 6 bases into the intron after coding-DNA position 163, T replaced by C.
Molecular consequence: intron variant.
Genome position (GRCh38, 1-based): chr15:55,319,419, T>C. VCF-style: chr15-55319419-T-C. GRCh37 (hg19) VCF-style: chr15-55611617-T-C.
Identifiers: ClinVar variation 1981196 (VCV001981196.4), dbSNP rs187951367, ClinGen allele CA270774460.